The following is an entry in ClinVar:

NM_000256.3(MYBPC3):c.1040G>A (p.Gly347Asp)

Gene: MYBPC3 (myosin binding protein C3; minus strand). Cytogenetic location: 11p11.2.
Variant type: single nucleotide variant.
Coding change: c.1040G>A on transcript NM_000256.3 (MANE Select); coding-DNA position 1040, G replaced by A.
Protein change: p.Gly347Asp; replaces glycine 347 with aspartic acid.
Molecular consequence: missense variant.
Genome position (GRCh38, 1-based): chr11:47,346,257, C>T on the plus strand (G>A on the coding strand, the complement: MYBPC3 is on the minus strand). VCF-style: chr11-47346257-C-T. GRCh37 (hg19) VCF-style: chr11-47367808-C-T.
Other names: c.1040G>A, p.Gly347Asp (LRG_386t1); short protein forms G347D.
Identifiers: ClinVar variation 449154 (VCV000449154.2), dbSNP rs1555122753, ClinGen allele CA380331234.

ClinVar aggregate classification (germline): Uncertain significance (1 of 4 stars; one submission).

Submission:

GeneDx
Classification: Uncertain significance. Last evaluated: 2017-06-22. Review status: criteria provided, single submitter. Criteria: GeneDx Variant Classification (06012015). Collection method: clinical testing. Allele origin: germline. Affected: yes.
Comment: The G347D variant of uncertain significance in the MYBPC3 gene has not been published as pathogenic or benign to our knowledge. This variant is not observed in large population cohorts (Lek et al., 2016). In addition, G347D is a non-conservative amino acid substitution, which is likely to impact secondary protein structure as these residues differ in polarity, charge, size and/or other properties. This substitution also occurs at a position that is conserved across species. In silico analysis predicts G347D is probably damaging to the protein structure/function.